The following is an entry in ClinVar:

ClinVar aggregate classification (germline): Pathogenic (1 of 4 stars; one submission).

Conditions:
Recessive dystrophic epidermolysis bullosa (RDEB). Also called: DYSTROPHIC EPIDERMOLYSIS BULLOSA, AUTOSOMAL RECESSIVE; EPIDERMOLYSIS BULLOSA DYSTROPHICA, HALLOPEAU-SIEMENS TYPE; Hallopeau-Siemens Disease; severe generalized recessive dystrophic epidermolysis bullosa; EPIDERMOLYSIS BULLOSA DYSTROPHICA, GENERALIZED SEVERE, AUTOSOMAL RECESSIVE; Epidermolysis Bullosa Distrophica Autosomal Recessive (RDEB). Identifiers: Orphanet 79408, Orphanet 79409, MedGen C0079474, MONDO:0009179, OMIM 226600.

gnomAD v4.1: 1 of 1,593,146 alleles (0.000063%); highest among the groups gnomAD compares: Non-Finnish European, 0.000085%; no homozygotes.

Submission:

Myriad Genetics, Inc.
Classification: Pathogenic for Recessive dystrophic epidermolysis bullosa. Last evaluated: 2026-03-11. Review status: criteria provided, single submitter. Criteria: Myriad Autosomal Dominant, Autosomal Recessive and X-Linked Classification Criteria (2023). Collection method: clinical testing. Allele origin: unknown.
Comment: NM_000094.3(COL7A1):c.2719G>T(E907*) is expected to be pathogenic in the context of dystrophic epidermolysis bullosa. This variant is predicted to lead to an abnormal or absent protein product due to the creation of a premature termination codon in COL7A1, a gene where loss-of-function variants are known to be pathogenic. Please note: this variant was assessed in the context of healthy population screening.

NM_000094.4(COL7A1):c.2719G>T (p.Glu907Ter)

Gene: COL7A1 (collagen type VII alpha 1 chain; minus strand). Cytogenetic location: 3p21.31.
Variant type: single nucleotide variant.
Coding change: c.2719G>T on transcript NM_000094.4 (MANE Select); coding-DNA position 2719, G replaced by T.
Protein change: p.Glu907Ter; replaces glutamic acid 907 with a stop codon.
Molecular consequence: nonsense.
Genome position (GRCh38, 1-based): chr3:48,587,931, C>A on the plus strand (G>T on the coding strand, the complement: COL7A1 is on the minus strand). VCF-style: chr3-48587931-C-A. GRCh37 (hg19) VCF-style: chr3-48625364-C-A.
Other names: short protein forms E907*.
Identifiers: ClinVar variation 5015665 (VCV005015665.1).
Genomic context (GRCh38, chr3:48,587,931, plus strand): 5'-CTGGCTCCAGCCCGTCCAGGTGATAGCTGCTGAGCTCGGGCCCCAGGACCCGGGACTGTT[C>A]CTGGCCACCTGGGGCAGGCGTGAGGGTGGGGGCCAAGAGCATGTGGGATAGTGACACCTG-3'